The following is an entry in ClinVar:

NM_003334.4(UBA1):c.2878G>A (p.Val960Ile)

Gene: UBA1 (ubiquitin like modifier activating enzyme 1; plus strand). Cytogenetic location: Xp11.3.
Variant type: single nucleotide variant.
Coding change: c.2878G>A on transcript NM_003334.4 (MANE Select); coding-DNA position 2878, G replaced by A.
Protein change: p.Val960Ile; replaces valine 960 with isoleucine.
Molecular consequence: missense variant.
Genome position (GRCh38, 1-based): chrX:47,214,366, G>A. VCF-style: chrX-47214366-G-A. GRCh37 (hg19) VCF-style: chrX-47073765-G-A.
Other names: c.2878G>A, p.Val960Ile (NM_153280.3); short protein forms V960I.
Identifiers: ClinVar variation 2632848 (VCV002632848.2), dbSNP rs186224021, ClinGen allele CA412811470.
Genomic context (GRCh38, chrX:47,214,366, plus strand): 5'-ACTCCCCTCTTTGTCTTGCAGTACTATAACCAAGAGTGGACATTGTGGGATCGCTTTGAG[G>A]TACAAGGGCTGCAGCCTAATGGTGAGGAGATGACCCTCAAACAGTTCCTCGACTATTTTA-3'
Protein context (NP_003325.2, residues 950-970): QEWTLWDRFE[Val960Ile]QGLQPNGEEM

ClinVar aggregate classification (germline): Uncertain significance. Review status: criteria provided, multiple submitters, no conflicts (2 of 4 stars). 2 submissions from 2 submitters: Uncertain significance (2). Last evaluated 2026-07-13.

Conditions:
Inborn genetic diseases. Identifiers: MedGen C0950123, MeSH D030342.
UBA1-related disorder. Also called: UBA1-related condition.

Submissions (2):

Ambry Genetics
Classification: Uncertain significance for Inborn genetic diseases. Last evaluated: 2026-07-13. Review status: criteria provided, single submitter. Criteria: Ambry Variant Classification Scheme 2023. Collection method: clinical testing. Allele origin: germline.

PreventionGenetics, part of Exact Sciences
Classification: Uncertain significance for UBA1-related condition. Last evaluated: 2023-05-10. Review status: criteria provided, single submitter. Criteria: ACMG Guidelines, 2015. Collection method: clinical testing. Allele origin: germline.
Comment: The UBA1 c.2878G>A variant is predicted to result in the amino acid substitution p.Val960Ile. To our knowledge, this variant has not been reported in the literature or in a large population database, indicating this variant is rare. At this time, the clinical significance of this variant is uncertain due to the absence of conclusive functional and genetic evidence.